The following is an entry in ClinVar:

ClinVar aggregate classification (germline): Likely benign (1 of 4 stars; one submission).

Conditions:
Parkinson disease, late-onset (PD). Also called: Hereditary late onset Parkinson disease; PARKINSON DISEASE, LATE-ONSET, SUSCEPTIBILITY TO; Susceptibility to Parkinson's Disease. Identifiers: Orphanet 411602, MedGen C3160718, MONDO:0008199, OMIM 168600.

Allele frequency attached by ClinVar (database versions not stated): gnomAD below 0.00001 and 0.00003; ExAC 0.00008; 1000 Genomes Project 30x 0.00031; 1000 Genomes Project 0.00040.
gnomAD v4.1: 61 of 1,614,194 alleles (0.0038%); highest among the groups gnomAD compares: South Asian, 0.058%; no homozygotes.

Submission:

Illumina Laboratory Services, Illumina
Classification: Likely benign for Parkinson disease, late-onset. Last evaluated: 2018-01-12. Review status: criteria provided, single submitter. Criteria: ICSL Variant Classification Criteria 13 December 2019. Collection method: clinical testing. Allele origin: germline.
Comment: This variant was observed in the ICSL laboratory as part of a predisposition screen in an ostensibly healthy population. It had not been previously curated by ICSL or reported in the Human Gene Mutation Database (HGMD: prior to June 1st, 2018), and was therefore a candidate for classification through an automated scoring system. Utilizing variant allele frequency, disease prevalence and penetrance estimates, and inheritance mode, an automated score was calculated to assess if this variant is too frequent to cause the disease. Based on the score and internal cut-off values, a variant classified as likely benign is not then subjected to further curation. The score for this variant resulted in a classification of likely benign for this disease.

NM_006186.4(NR4A2):c.1638G>A (p.Leu546=)

Gene: NR4A2 (nuclear receptor subfamily 4 group A member 2; minus strand). Cytogenetic location: 2q24.1.
Variant type: single nucleotide variant.
Coding change: c.1638G>A on transcript NM_006186.4 (MANE Select); coding-DNA position 1638, G replaced by A.
Protein change: p.Leu546=; no amino-acid change (leucine 546 retained).
Molecular consequence: synonymous variant.
Genome position (GRCh38, 1-based): chr2:156,325,903, C>T on the plus strand (G>A on the coding strand, the complement: NR4A2 is on the minus strand). VCF-style: chr2-156325903-C-T. GRCh37 (hg19) VCF-style: chr2-157182415-C-T.
Other names: c.1449G>A, p.Leu483= (NM_173173.3).
Identifiers: ClinVar variation 893543 (VCV000893543.4), dbSNP rs528222526, ClinGen allele CA1916171.
Genomic context (GRCh38, chr2:156,325,903, plus strand): 5'-GCAAAGGGTACGAAGTTCTGGGAGCTTCCCCAACAGTTTGGACAAATAATTGGGGCGGTT[C>T]AACCCCCCATTGTTGAAAGTCACGTGGTCTTTGAGACAATTTACAATCTTGTTTTGCAGT-3'
Protein context (NP_006177.1, residues 536-556): KDHVTFNNGG[Leu546=]NRPNYLSKLL